The following is an entry in ClinVar:

ClinVar aggregate classification (germline): Benign/Likely benign. Review status: criteria provided, multiple submitters, no conflicts (2 of 4 stars). 7 submissions from 7 submitters: Benign (2); Likely benign (3). 2 of the submissions do not count toward it. Last evaluated 2026-01-25.

Allele frequency attached by ClinVar (database versions not stated): 1000 Genomes Project 0.00140; 1000 Genomes Project 30x 0.00141; TOPMed 0.00206; gnomAD 0.00207; ESP Exome Variant Server 0.00275.
gnomAD v4.1: 5,575 of 1,614,110 alleles (0.35%); highest among the groups gnomAD compares: Non-Finnish European, 0.43%; 13 homozygotes.

Submissions (7):

Labcorp Genetics (formerly Invitae), Labcorp
Classification: Likely benign. Last evaluated: 2026-01-25. Review status: criteria provided, single submitter. Criteria: Invitae Variant Classification Sherloc (09022015). Collection method: clinical testing. Allele origin: germline.

Blueprint Genetics
Classification: Likely benign. Last evaluated: 2024-11-25. Review status: criteria provided, single submitter. Criteria: ACMG Guidelines, 2015. Collection method: clinical testing. Allele origin: germline.

GeneDx
Classification: Benign. Last evaluated: 2020-08-04. Review status: criteria provided, single submitter. Criteria: GeneDx Variant Classification Process June 2021. Collection method: clinical testing. Allele origin: germline. Affected: yes.

Women's Health and Genetics/Laboratory Corporation of America, LabCorp
Classification: Benign. Last evaluated: 2019-08-26. Review status: criteria provided, single submitter. Criteria: LabCorp Variant Classification Summary - May 2015. Collection method: clinical testing. Allele origin: germline.
Comment: Variant summary: A2ML1 c.158C>G (p.Thr53Arg) results in a non-conservative amino acid change in the encoded protein sequence. Three of five in-silico tools predict a benign effect of the variant on protein function. The variant allele was found at a frequency of 0.0021 in 249546 control chromosomes, predominantly at a frequency of 0.0034 within the Non-Finnish European subpopulation in the gnomAD database, including 1 homozygotes. The observed variant frequency within Non-Finnish European control individuals in the gnomAD database is approximately 850 fold of the estimated maximal expected allele frequency for a pathogenic variant in A2ML1 causing Noonan Syndrome phenotype (4e-06), strongly suggesting that the variant is a benign polymorphism found primarily in populations of Non-Finnish European origin. To our knowledge, no occurrence of c.158C>G in individuals affected with Noonan Syndrome and no experimental evidence demonstrating its impact on protein function have been reported. Three ClinVar submissions (evaluation after 2014) cite the variant as likely benign. Based on the evidence outlined above, the variant was classified as benign.

Center for Pediatric Genomic Medicine, Children's Mercy Hospital and Clinics
Classification: Likely benign. Last evaluated: 2017-06-15. Review status: criteria provided, single submitter. Criteria: ACMG Guidelines, 2015. Collection method: clinical testing. Allele origin: germline.

Diagnostic Laboratory, Department of Genetics, University Medical Center Groningen
Classification: Likely benign. Review status: no assertion criteria provided. Collection method: clinical testing. Allele origin: germline. Affected: yes. Study: VKGL Data-share Consensus. Not counted in ClinVar's aggregate classification.

Joint Genome Diagnostic Labs from Nijmegen and Maastricht, Radboudumc and MUMC+
Classification: Likely benign. Review status: no assertion criteria provided. Collection method: clinical testing. Allele origin: germline. Affected: yes. Study: VKGL Data-share Consensus. Not counted in ClinVar's aggregate classification.

NM_144670.6(A2ML1):c.158C>G (p.Thr53Arg)

Genes: A2ML1 (alpha-2-macroglobulin like 1; plus strand), A2ML1-AS1 (A2ML1 antisense RNA 1; minus strand). Cytogenetic location: 12p13.31.
Variant type: single nucleotide variant.
Coding change: c.158C>G on transcript NM_144670.6 (MANE Select); coding-DNA position 158, C replaced by G.
Protein change: p.Thr53Arg; replaces threonine 53 with arginine.
Molecular consequence: missense variant.
Genome position (GRCh38, 1-based): chr12:8,823,277, C>G. VCF-style: chr12-8823277-C-G. GRCh37 (hg19) VCF-style: chr12-8975873-C-G.
Other names: short protein forms T53R.
Identifiers: ClinVar variation 413807 (VCV000413807.18), dbSNP rs79149293, ClinGen allele CA6435180.